The following is an entry in ClinVar:

NM_017763.6(RNF43):c.1716A>T (p.Glu572Asp)

Gene: RNF43 (ring finger protein 43; minus strand). Cytogenetic location: 17q22.
Variant type: single nucleotide variant.
Coding change: c.1716A>T on transcript NM_017763.6 (MANE Select); coding-DNA position 1716, A replaced by T.
Protein change: p.Glu572Asp; replaces glutamic acid 572 with aspartic acid.
Molecular consequence: missense variant.
Genome position (GRCh38, 1-based): chr17:58,358,060, T>A on the plus strand (A>T on the coding strand, the complement: RNF43 is on the minus strand). VCF-style: chr17-58358060-T-A. GRCh37 (hg19) VCF-style: chr17-56435421-T-A.
Other names: c.1716A>T, p.Glu572Asp (NM_001305544.3); c.1335A>T, p.Glu445Asp (NM_001305545.2); short protein forms E445D, E572D.
Identifiers: ClinVar variation 2050830 (VCV002050830.6), dbSNP rs376083664, ClinGen allele CA8673127.

ClinVar aggregate classification (germline): Uncertain significance. Review status: criteria provided, multiple submitters, no conflicts (2 of 4 stars). 2 submissions from 2 submitters: Uncertain significance (2). Last evaluated 2024-12-20.

Allele frequency attached by ClinVar (database versions not stated): gnomAD 0.00001; TOPMed 0.00003; ExAC 0.00004; gnomAD exomes 0.00003; ESP Exome Variant Server 0.00008.
gnomAD v4.1: 19 of 1,592,374 alleles (0.0012%); highest among the groups gnomAD compares: Admixed American, 0.031%; no homozygotes.

Submissions (2):

Ambry Genetics
Classification: Uncertain significance. Last evaluated: 2024-12-20. Review status: criteria provided, single submitter. Criteria: Ambry Variant Classification Scheme 2023. Collection method: clinical testing. Allele origin: germline.
Comment: The p.E572D variant (also known as c.1716A>T), located in coding exon 8 of the RNF43 gene, results from an A to T substitution at nucleotide position 1716. The glutamic acid at codon 572 is replaced by aspartic acid, an amino acid with highly similar properties. This amino acid position is conserved. In addition, this alteration is predicted to be tolerated by in silico analysis. Based on the available evidence, the clinical significance of this variant remains unclear.

Labcorp Genetics (formerly Invitae), Labcorp
Classification: Uncertain significance. Last evaluated: 2024-08-04. Review status: criteria provided, single submitter. Criteria: Invitae Variant Classification Sherloc (09022015). Collection method: clinical testing. Allele origin: germline.
Comment: This sequence change replaces glutamic acid, which is acidic and polar, with aspartic acid, which is acidic and polar, at codon 572 of the RNF43 protein (p.Glu572Asp). This variant is present in population databases (rs376083664, gnomAD 0.05%), and has an allele count higher than expected for a pathogenic variant. This variant has not been reported in the literature in individuals affected with RNF43-related conditions. ClinVar contains an entry for this variant (Variation ID: 2050830). An algorithm developed to predict the effect of missense changes on protein structure and function outputs the following: PolyPhen-2: "Benign". The aspartic acid amino acid residue is found in multiple mammalian species, which suggests that this missense change does not adversely affect protein function. In summary, the available evidence is currently insufficient to determine the role of this variant in disease. Therefore, it has been classified as a Variant of Uncertain Significance.